The following is an entry in ClinVar:

NM_001379286.1(ZNF423):c.2368A>G (p.Lys790Glu)

Gene: ZNF423 (zinc finger protein 423; minus strand). Cytogenetic location: 16q12.1.
Variant type: single nucleotide variant.
Coding change: c.2368A>G on transcript NM_001379286.1 (MANE Select); coding-DNA position 2368, A replaced by G.
Protein change: p.Lys790Glu; replaces lysine 790 with glutamic acid.
Molecular consequence: missense variant.
Genome position (GRCh38, 1-based): chr16:49,636,808, T>C on the plus strand (A>G on the coding strand, the complement: ZNF423 is on the minus strand). VCF-style: chr16-49636808-T-C. GRCh37 (hg19) VCF-style: chr16-49670719-T-C.
Other names: c.2164A>G, p.Lys722Glu (NM_001271620.2); c.1993A>G, p.Lys665Glu (NM_001330533.2); c.2344A>G, p.Lys782Glu (NM_015069.5); short protein forms K790E, K665E, K722E, K782E.
Identifiers: ClinVar variation 958497 (VCV000958497.9), dbSNP rs1555515191, ClinGen allele CA395843176.

ClinVar aggregate classification (germline): Uncertain significance (1 of 4 stars; one submission).

Conditions:
Nephronophthisis 14 (NPHP14). Identifiers: Orphanet 2318, MedGen C3539071, MONDO:0013916, OMIM 614844.

Submission:

Labcorp Genetics (formerly Invitae), Labcorp
Classification: Uncertain significance for Nephronophthisis 14. Last evaluated: 2019-10-24. Review status: criteria provided, single submitter. Criteria: Invitae Variant Classification Sherloc (09022015). Collection method: clinical testing. Allele origin: germline.
Comment: This sequence change replaces lysine with glutamic acid at codon 782 of the ZNF423 protein (p.Lys782Glu). The lysine residue is highly conserved and there is a small physicochemical difference between lysine and glutamic acid. This variant has not been reported in the literature in individuals with ZNF423-related conditions. This variant is not present in population databases (ExAC no frequency). Algorithms developed to predict the effect of missense changes on protein structure and function are either unavailable or do not agree on the potential impact of this missense change (SIFT: "Tolerated"; PolyPhen-2: "Possibly Damaging"; Align-GVGD: "Class C0"). In summary, the available evidence is currently insufficient to determine the role of this variant in disease. Therefore, it has been classified as a Variant of Uncertain Significance.